The following is an entry in ClinVar:

ClinVar aggregate classification (germline): Uncertain significance (1 of 4 stars; one submission).

Submission:

Labcorp Genetics (formerly Invitae), Labcorp
Classification: Uncertain significance. Last evaluated: 2022-06-13. Review status: criteria provided, single submitter. Criteria: Invitae Variant Classification Sherloc (09022015). Collection method: clinical testing. Allele origin: germline.
Comment: This sequence change replaces valine, which is neutral and non-polar, with leucine, which is neutral and non-polar, at codon 737 of the COL9A1 protein (p.Val737Leu). This variant is not present in population databases (gnomAD no frequency). This variant has not been reported in the literature in individuals affected with COL9A1-related conditions. Advanced modeling of protein sequence and biophysical properties (such as structural, functional, and spatial information, amino acid conservation, physicochemical variation, residue mobility, and thermodynamic stability) performed at Invitae indicates that this missense variant is not expected to disrupt COL9A1 protein function. In summary, the available evidence is currently insufficient to determine the role of this variant in disease. Therefore, it has been classified as a Variant of Uncertain Significance.

NM_001851.6(COL9A1):c.2209G>T (p.Val737Leu)

Gene: COL9A1 (collagen type IX alpha 1 chain; minus strand). Cytogenetic location: 6q13.
Variant type: single nucleotide variant.
Coding change: c.2209G>T on transcript NM_001851.6 (MANE Select); coding-DNA position 2209, G replaced by T.
Protein change: p.Val737Leu; replaces valine 737 with leucine.
Molecular consequence: missense variant. On other transcripts: non-coding transcript variant (1), intron variant (1).
Genome position (GRCh38, 1-based): chr6:70,234,844, C>A on the plus strand (G>T on the coding strand, the complement: COL9A1 is on the minus strand). VCF-style: chr6-70234844-C-A. GRCh37 (hg19) VCF-style: chr6-70944547-C-A.
Other names: c.1510G>T, p.Val504Leu (NM_001377289.1); c.1480G>T, p.Val494Leu (NM_078485.4); c.1384-251G>T (NM_001377290.1); short protein forms V494L, V504L, V737L.
Identifiers: ClinVar variation 1472375 (VCV001472375.3), dbSNP rs2127559780, ClinGen allele CA364673187.